The following is an entry in ClinVar:

ClinVar aggregate classification (germline): Uncertain significance (1 of 4 stars; one submission).

Submission:

Labcorp Genetics (formerly Invitae), Labcorp
Classification: Uncertain significance. Last evaluated: 2022-02-22. Review status: criteria provided, single submitter. Criteria: Invitae Variant Classification Sherloc (09022015). Collection method: clinical testing. Allele origin: germline.
Comment: This variant has not been reported in the literature in individuals affected with HUWE1-related conditions. This sequence change replaces lysine, which is basic and polar, with arginine, which is basic and polar, at codon 3357 of the HUWE1 protein (p.Lys3357Arg). This variant is not present in population databases (gnomAD no frequency). Algorithms developed to predict the effect of missense changes on protein structure and function (SIFT, PolyPhen-2, Align-GVGD) all suggest that this variant is likely to be tolerated. In summary, the available evidence is currently insufficient to determine the role of this variant in disease. Therefore, it has been classified as a Variant of Uncertain Significance.

NM_031407.7(HUWE1):c.10070A>G (p.Lys3357Arg)

Gene: HUWE1 (HECT, UBA and WWE domain containing E3 ubiquitin protein ligase 1; minus strand). Cytogenetic location: Xp11.22.
Variant type: single nucleotide variant.
Coding change: c.10070A>G on transcript NM_031407.7 (MANE Select); coding-DNA position 10070, A replaced by G.
Protein change: p.Lys3357Arg; replaces lysine 3357 with arginine.
Molecular consequence: missense variant.
Genome position (GRCh38, 1-based): chrX:53,548,239, T>C on the plus strand (A>G on the coding strand, the complement: HUWE1 is on the minus strand). VCF-style: chrX-53548239-T-C. GRCh37 (hg19) VCF-style: chrX-53575200-T-C.
Other names: short protein forms K3357R.
Identifiers: ClinVar variation 2101710 (VCV002101710.4), dbSNP rs2523150000, ClinGen allele CA413136805.